The following is an entry in ClinVar:

NM_006648.4(WNK2):c.2410A>G (p.Ile804Val)

Gene: WNK2 (WNK lysine deficient protein kinase 2; plus strand). Cytogenetic location: 9q22.31.
Variant type: single nucleotide variant.
Coding change: c.2410A>G on transcript NM_006648.4 (MANE Select); coding-DNA position 2410, A replaced by G.
Protein change: p.Ile804Val; replaces isoleucine 804 with valine.
Molecular consequence: missense variant.
Genome position (GRCh38, 1-based): chr9:93,258,958, A>G. VCF-style: chr9-93258958-A-G. GRCh37 (hg19) VCF-style: chr9-96021240-A-G.
Other names: c.2410A>G, p.Ile804Val (NM_001282394.3); short protein forms I804V.
Identifiers: ClinVar variation 3981795 (VCV003981795.1).

ClinVar aggregate classification (germline): Uncertain significance (1 of 4 stars; one submission).

Submission:

Ambry Genetics
Classification: Uncertain significance. Last evaluated: 2025-04-03. Review status: criteria provided, single submitter. Criteria: Ambry Variant Classification Scheme 2023. Collection method: clinical testing. Allele origin: germline.
Comment: The p.I804V variant (also known as c.2410A>G), located in coding exon 11 of the WNK2 gene, results from an A to G substitution at nucleotide position 2410. The isoleucine at codon 804 is replaced by valine, an amino acid with highly similar properties. This amino acid position is conserved. In addition, this alteration is predicted to be tolerated by in silico analysis. Based on the available evidence, the clinical significance of this variant remains unclear.